The following is an entry in ClinVar:

ClinVar aggregate classification (germline): Uncertain significance (1 of 4 stars; one submission).

Submission:

Women's Health and Genetics/Laboratory Corporation of America, LabCorp
Classification: Uncertain significance. Last evaluated: 2025-09-12. Review status: criteria provided, single submitter. Criteria: LabCorp Variant Classification Summary - May 2015. Collection method: clinical testing. Allele origin: germline.
Comment: Variant summary: SOX4 c.502_519dup18 (p.Gly168_Gly173dup) results in an in-frame duplication that is predicted to duplicate six amino acids into the encoded protein. The variant was absent in 75306 control chromosomes. The available data on variant occurrences in the general population are insufficient to allow any conclusion about variant significance. To our knowledge, no occurrence of c.502_519dup18 in individuals affected with SOX4-related conditions and no experimental evidence demonstrating its impact on protein function have been reported. No submitters have cited clinical-significance assessments for this variant to ClinVar. Based on the evidence outlined above, the variant was classified as uncertain significance.

NM_003107.3(SOX4):c.502_519dup (p.Gly173_Ser174insGlyGlyGlyGlyGlyGly)

Gene: SOX4 (SRY-box transcription factor 4; plus strand). Cytogenetic location: 6p22.3.
Variant type: Duplication.
Coding change: c.502_519dup on transcript NM_003107.3 (MANE Select); coding-DNA positions 502 to 519, 18 bases duplicated (GGCGGCGGCGGCGGCGGG).
Protein change: p.Gly173_Ser174insGlyGlyGlyGlyGlyGly.
Molecular consequence: inframe insertion.
Genome position (GRCh38, 1-based): chr6:21,595,036-21,595,053, GGCGGCGGCGGCGGCGGG duplicated; duplicating any 18 consecutive bases within chr6:21,595,033-21,595,053 gives the same sequence; the c. name uses the placement nearest the transcript's 3' end. VCF-style (leftmost placement, unchanged base first): chr6-21595032-T-TGGGGGCGGCGGCGGCGGC. GRCh37 (hg19) VCF-style: chr6-21595263-T-TGGGGGCGGCGGCGGCGGC.
Other names: c.502_519dup18 (NM_003107.3).
Identifiers: ClinVar variation 4535566 (VCV004535566.1).